The following is an entry in ClinVar:

ClinVar aggregate classification (germline): Pathogenic. Review status: criteria provided, multiple submitters, no conflicts (2 of 4 stars). 3 submissions from 3 submitters: Pathogenic (3). Last evaluated 2024-02-12.

Conditions:
Inborn genetic diseases. Identifiers: MedGen C0950123, MeSH D030342.
Developmental and epileptic encephalopathy, 12 (DEE12). Identifiers: MedGen C3150988, MONDO:0013389, OMIM 613722.

Submissions (3):

Labcorp Genetics (formerly Invitae), Labcorp
Classification: Pathogenic for Developmental and epileptic encephalopathy, 12. Last evaluated: 2024-02-12. Review status: criteria provided, single submitter. Criteria: Invitae Variant Classification Sherloc (09022015). Collection method: clinical testing. Allele origin: germline.
Comment: This sequence change creates a premature translational stop signal (p.Ala432Glufs*64) in the PNKP gene. While this is not anticipated to result in nonsense mediated decay, it is expected to disrupt the last 90 amino acid(s) of the PNKP protein. This variant is not present in population databases (gnomAD no frequency). This variant has not been reported in the literature in individuals affected with PNKP-related conditions. ClinVar contains an entry for this variant (Variation ID: 206426). This variant disrupts a region of the PNKP protein in which other variant(s) (Gln517*) have been determined to be pathogenic (PMID: 30039206). This suggests that this is a clinically significant region of the protein, and that variants that disrupt it are likely to be disease-causing. For these reasons, this variant has been classified as Pathogenic.

Ambry Genetics
Classification: Pathogenic for Inborn genetic diseases. Last evaluated: 2017-08-07. Review status: criteria provided, single submitter. Criteria: Ambry Variant Classification Scheme 2023. Collection method: clinical testing. Allele origin: germline.
Comment: The c.1288_1294dupAGCCGCG pathogenic mutation, located in coding exon 13 of the PNKP gene, results from a duplication of AGCCGCG at nucleotide position 1288, causing a translational frameshift with a predicted alternate stop codon (p.A432Efs*64). Based on Ambry internal analysis, this mutation significantly destabilizes this protein structure. This alteration is expected to result in loss of function by premature protein truncation. As such, this alteration is interpreted as a disease-causing mutation.

GeneDx
Classification: Pathogenic. Last evaluated: 2013-10-14. Review status: criteria provided, single submitter. Criteria: GeneDx Variant Classification (06012015). Collection method: clinical testing. Allele origin: germline. Affected: yes.
Comment: The c.1288_1294dupAGCCGCG mutation in the PNKP gene causes a frameshift starting with codon Alanine 432, changes this amino acid to a Glutamic acid residue and creates a premature Stop codon at position 64 of the new reading frame, denoted p.Ala432GlufsX64. This mutation is predicted to cause loss of normal protein function through protein truncation, as 90 amino acids are replaced by 63 incorrect amino acids. Although this mutation has not been previously reported to our knowledge, it is expected to be a pathogenic mutation. The variant is found in INFANT-EPI panel(s).

Literature cited by the submitters: PubMed 30039206 (cited by Labcorp Genetics (formerly Invitae), Labcorp).

NM_007254.4(PNKP):c.1288_1294dup (p.Ala432fs)

Gene: PNKP (polynucleotide kinase 3'-phosphatase; minus strand). Cytogenetic location: 19q13.33.
Variant type: Duplication.
Coding change: c.1288_1294dup on transcript NM_007254.4 (MANE Select); coding-DNA positions 1288 to 1294, 7 bases duplicated (AGCCGCG; older notation c.1288_1294dupAGCCGCG).
Protein change: p.Ala432fs; shifts the reading frame from alanine 432.
Molecular consequence: frameshift variant.
Genome position (GRCh38, 1-based): chr19:49,861,776-49,861,782, CGCGGCT duplicated on the plus strand (AGCCGCG on the coding strand, the reverse complement: PNKP is on the minus strand); duplicating any 7 consecutive bases within chr19:49,861,776-49,861,788 gives the same sequence; the c. name uses the placement nearest the transcript's 3' end. VCF-style (leftmost placement, unchanged base first): chr19-49861775-G-GCGCGGCT. GRCh37 (hg19) VCF-style: chr19-50365032-G-GCGCGGCT.
Other names: short protein forms A432fs.
Identifiers: ClinVar variation 206426 (VCV000206426.6), dbSNP rs796052860, ClinGen allele CA316527.